The following is an entry in ClinVar:

ClinVar aggregate classification (germline): Uncertain significance. Review status: criteria provided, multiple submitters, no conflicts (2 of 4 stars). 2 submissions from 2 submitters: Uncertain significance (2). Last evaluated 2025-07-25.

Conditions:
Hereditary cancer-predisposing syndrome. Also called: Tumor predisposition; Hereditary Cancer Syndrome; Neoplastic Syndromes, Hereditary; Hereditary neoplastic syndrome. Identifiers: Orphanet 140162, MedGen C0027672, MeSH D009386, MONDO:0015356.
DICER1-related tumor predisposition. Also called: DICER1-related pleuropulmonary blastoma cancer predisposition syndrome; DICER1 syndrome. Identifiers: Orphanet 284343, MedGen C3839822, MONDO:0100216.

Allele frequency attached by ClinVar (database versions not stated): TOPMed 0.00001.

Submissions (2):

Ambry Genetics
Classification: Uncertain significance for Hereditary cancer-predisposing syndrome. Last evaluated: 2025-07-25. Review status: criteria provided, single submitter. Criteria: Ambry Variant Classification Scheme 2023. Collection method: clinical testing. Allele origin: germline.
Comment: The p.A5V variant (also known as c.14C>T), located in coding exon 1 of the DICER1 gene, results from a C to T substitution at nucleotide position 14. The alanine at codon 5 is replaced by valine, an amino acid with similar properties. This amino acid position is highly conserved in available vertebrate species. In addition, this alteration is predicted to be tolerated by in silico analysis. Based on the available evidence, the clinical significance of this variant remains unclear.

Labcorp Genetics (formerly Invitae), Labcorp
Classification: Uncertain significance for DICER1-related tumor predisposition. Last evaluated: 2025-02-12. Review status: criteria provided, single submitter. Criteria: Invitae Variant Classification Sherloc (09022015). Collection method: clinical testing. Allele origin: germline.
Comment: This sequence change replaces alanine, which is neutral and non-polar, with valine, which is neutral and non-polar, at codon 5 of the DICER1 protein (p.Ala5Val). This variant is not present in population databases (gnomAD no frequency). This variant has not been reported in the literature in individuals affected with DICER1-related conditions. ClinVar contains an entry for this variant (Variation ID: 1010770). Invitae Evidence Modeling of protein sequence and biophysical properties (such as structural, functional, and spatial information, amino acid conservation, physicochemical variation, residue mobility, and thermodynamic stability) indicates that this missense variant is not expected to disrupt DICER1 protein function with a negative predictive value of 95%. In summary, the available evidence is currently insufficient to determine the role of this variant in disease. Therefore, it has been classified as a Variant of Uncertain Significance.

NM_177438.3(DICER1):c.14C>T (p.Ala5Val)

Gene: DICER1 (dicer 1, ribonuclease III; minus strand). Cytogenetic location: 14q32.13.
Variant type: single nucleotide variant.
Coding change: c.14C>T on transcript NM_177438.3 (MANE Select); coding-DNA position 14, C replaced by T.
Protein change: p.Ala5Val; replaces alanine 5 with valine.
Molecular consequence: missense variant.
Genome position (GRCh38, 1-based): chr14:95,133,445, G>A on the plus strand (C>T on the coding strand, the complement: DICER1 is on the minus strand). VCF-style: chr14-95133445-G-A. GRCh37 (hg19) VCF-style: chr14-95599782-G-A.
Other names: c.14C>T, p.Ala5Val (NM_001195573.1, NM_001271282.3, NM_001291628.2 and 1 more transcripts); short protein forms A5V.
Identifiers: ClinVar variation 1010770 (VCV001010770.13), dbSNP rs1894131614, ClinGen allele CA390890812.